The following is an entry in ClinVar:

NM_001999.4(FBN2):c.6043A>G (p.Ile2015Val)

Gene: FBN2 (fibrillin 2; minus strand). Cytogenetic location: 5q23.3.
Variant type: single nucleotide variant.
Coding change: c.6043A>G on transcript NM_001999.4 (MANE Select); coding-DNA position 6043, A replaced by G.
Protein change: p.Ile2015Val; replaces isoleucine 2015 with valine.
Molecular consequence: missense variant.
Genome position (GRCh38, 1-based): chr5:128,301,385, T>C on the plus strand (A>G on the coding strand, the complement: FBN2 is on the minus strand). VCF-style: chr5-128301385-T-C. GRCh37 (hg19) VCF-style: chr5-127637077-T-C.
Other names: short protein forms I2015V.
Identifiers: ClinVar variation 575525 (VCV000575525.10), dbSNP rs1202188687, ClinGen allele CA360766647.

ClinVar aggregate classification (germline): Uncertain significance. Review status: criteria provided, multiple submitters, no conflicts (2 of 4 stars). 2 submissions from 2 submitters: Uncertain significance (2). Last evaluated 2026-07-19.

Conditions:
Congenital contractural arachnodactyly (CCA). Also called: BEALS SYNDROME; Beals-Hecht syndrome; Arthrogryposis, distal, type 9. Identifiers: Orphanet 115, MedGen C0220668, MONDO:0007363, OMIM 121050.
Familial thoracic aortic aneurysm and aortic dissection (TAAD). Also called: Thoracic aortic aneurysms and dissections. Identifiers: Orphanet 91387, MedGen C4707243, MONDO:0019625.

Allele frequency attached by ClinVar (database versions not stated): gnomAD exomes below 0.00001; gnomAD 0.00001.
gnomAD v4.1: 4 of 1,612,790 alleles (0.00025%); highest among the groups gnomAD compares: East Asian, 0.0022%; no homozygotes.

Submissions (2):

Ambry Genetics
Classification: Uncertain significance for Familial thoracic aortic aneurysm and aortic dissection. Last evaluated: 2026-07-19. Review status: criteria provided, single submitter. Criteria: Ambry Variant Classification Scheme 2023. Collection method: clinical testing. Allele origin: germline.
Comment: The p.I2015V variant (also known as c.6043A>G), located in coding exon 47 of the FBN2 gene, results from an A to G substitution at nucleotide position 6043. The isoleucine at codon 2015 is replaced by valine, an amino acid with highly similar properties. This amino acid position is conserved. In addition, this alteration is predicted to be tolerated by in silico analysis. Based on the available evidence, the clinical significance of this variant remains unclear.

Labcorp Genetics (formerly Invitae), Labcorp
Classification: Uncertain significance for Congenital contractural arachnodactyly. Last evaluated: 2018-06-11. Review status: criteria provided, single submitter. Criteria: Invitae Variant Classification Sherloc (09022015). Collection method: clinical testing. Allele origin: germline.
Comment: This sequence change replaces isoleucine with valine at codon 2015 of the FBN2 protein (p.Ile2015Val). The isoleucine residue is highly conserved and there is a small physicochemical difference between isoleucine and valine. In summary, the available evidence is currently insufficient to determine the role of this variant in disease. Therefore, it has been classified as a Variant of Uncertain Significance. Algorithms developed to predict the effect of sequence changes on RNA splicing suggest that this variant may create or strengthen a splice site, but this prediction has not been confirmed by published transcriptional studies. Algorithms developed to predict the effect of missense changes on protein structure and function do not agree on the potential impact of this missense change (SIFT: "Deleterious"; PolyPhen-2: "Benign"; Align-GVGD: "Class C25"). This variant has not been reported in the literature in individuals with FBN2-related disease. This variant is not present in population databases (ExAC no frequency).